The following is an entry in ClinVar:

ClinVar aggregate classification (germline): Uncertain significance (1 of 4 stars; one submission).

Allele frequency attached by ClinVar (database versions not stated): gnomAD exomes 0.00001; TOPMed below 0.00001; gnomAD 0.00001.

Submission:

Labcorp Genetics (formerly Invitae), Labcorp
Classification: Uncertain significance. Last evaluated: 2022-06-30. Review status: criteria provided, single submitter. Criteria: Invitae Variant Classification Sherloc (09022015). Collection method: clinical testing. Allele origin: germline.
Comment: In summary, the available evidence is currently insufficient to determine the role of this variant in disease. Therefore, it has been classified as a Variant of Uncertain Significance. Algorithms developed to predict the effect of missense changes on protein structure and function are either unavailable or do not agree on the potential impact of this missense change (SIFT: "Tolerated"; PolyPhen-2: "Possibly Damaging"; Align-GVGD: "Class C0"). This variant has not been reported in the literature in individuals affected with ASCC1-related conditions. This variant is not present in population databases (gnomAD no frequency). This sequence change replaces leucine, which is neutral and non-polar, with phenylalanine, which is neutral and non-polar, at codon 320 of the ASCC1 protein (p.Leu320Phe).

NM_001198800.3(ASCC1):c.960G>T (p.Leu320Phe)

Gene: ASCC1 (activating signal cointegrator 1 complex subunit 1; minus strand). Cytogenetic location: 10q22.1.
Variant type: single nucleotide variant.
Coding change: c.960G>T on transcript NM_001198800.3 (MANE Select); coding-DNA position 960, G replaced by T.
Protein change: p.Leu320Phe; replaces leucine 320 with phenylalanine.
Molecular consequence: missense variant. On other transcripts: 3 prime UTR variant (6), non-coding transcript variant (1).
Genome position (GRCh38, 1-based): chr10:72,097,448, C>A on the plus strand (G>T on the coding strand, the complement: ASCC1 is on the minus strand). VCF-style: chr10-72097448-C-A. GRCh37 (hg19) VCF-style: chr10-73857206-C-A.
Other names: c.960G>T, p.Leu320Phe (NM_001198798.2, NM_001369093.1, NM_001369094.1 and 1 more transcripts); c.*38G>T (NM_001198799.3, NM_001369085.1, NM_001369087.1 and 3 more transcripts); c.1144G>T, p.Val382Phe (NM_001369086.1); c.1078G>T, p.Val360Phe (NM_001369090.1, NM_001369091.1, NM_001369092.1); c.1039G>T, p.Val347Phe (NM_001369096.1, NM_001369097.1, NM_001369098.1); c.906G>T, p.Leu302Phe (NM_001369099.1); c.961G>T, p.Val321Phe (NM_001369101.1, NM_001369102.1); c.958G>T, p.Val320Phe (NM_001369103.1, NM_001369104.1); and 4 more; short protein forms V252F, V321F, V292F, V320F, V347F, V382F, L320F, L280F.
Identifiers: ClinVar variation 2139736 (VCV002139736.4), dbSNP rs996055212, ClinGen allele CA209502355.